The following is an entry in ClinVar:

NM_000138.5(FBN1):c.3407dup (p.Tyr1136Ter)

Gene: FBN1 (fibrillin 1; minus strand). Cytogenetic location: 15q21.1.
Variant type: Duplication.
Coding change: c.3407dup on transcript NM_000138.5 (MANE Select); coding-DNA position 3407, one base duplicated (A; older notation c.3407dupA).
Protein change: p.Tyr1136Ter; replaces tyrosine 1136 with a stop codon.
Molecular consequence: nonsense.
Genome position (GRCh38, 1-based): chr15:48,487,368, T duplicated on the plus strand (A on the coding strand, the reverse complement: FBN1 is on the minus strand). VCF-style (leftmost placement, unchanged base first): chr15-48487367-G-GT. GRCh37 (hg19) VCF-style: chr15-48779564-G-GT.
Other names: short protein forms Y1136*.
Identifiers: ClinVar variation 1401589 (VCV001401589.6), dbSNP rs2141293639, ClinGen allele CA2573150833.

ClinVar aggregate classification (germline): Pathogenic (1 of 4 stars; one submission).

Conditions:
Marfan syndrome (MFS). Also called: Marfan syndrome type 1; Marfan's syndrome; FBN1-Related Marfan Syndrome; MARFAN SYNDROME, TYPE I; Marfan syndrome, classic. Identifiers: Orphanet 284963, Orphanet 558, MedGen C0024796, MONDO:0007947, OMIM 154700.
Familial thoracic aortic aneurysm and aortic dissection (TAAD). Also called: Thoracic aortic aneurysms and dissections. Identifiers: Orphanet 91387, MedGen C4707243, MONDO:0019625.

Submission:

Labcorp Genetics (formerly Invitae), Labcorp
Classification: Pathogenic for Marfan syndrome; Familial thoracic aortic aneurysm and aortic dissection. Last evaluated: 2022-06-27. Review status: criteria provided, single submitter. Criteria: Invitae Variant Classification Sherloc (09022015). Collection method: clinical testing. Allele origin: germline.
Comment: For these reasons, this variant has been classified as Pathogenic. This variant has not been reported in the literature in individuals affected with FBN1-related conditions. This variant is not present in population databases (gnomAD no frequency). This sequence change creates a premature translational stop signal (p.Tyr1136*) in the FBN1 gene. It is expected to result in an absent or disrupted protein product. Loss-of-function variants in FBN1 are known to be pathogenic (PMID: 17657824, 19293843).

Literature cited by the submitters: PubMed 17657824; PubMed 19293843.